The following is an entry in ClinVar:

ClinVar aggregate classification (germline): Pathogenic (1 of 4 stars; one submission).

Conditions:
CEP290-related ciliopathy. Also called: CEP290 ciliopathy. Identifiers: MedGen CN305601, MONDO:0100451.

Submission:

Myriad Genetics, Inc.
Classification: Pathogenic for CEP290-related ciliopathy. Last evaluated: 2025-12-20. Review status: criteria provided, single submitter. Criteria: Myriad Autosomal Dominant, Autosomal Recessive and X-Linked Classification Criteria (2023). Collection method: clinical testing. Allele origin: unknown.
Comment: NM_025114.3(CEP290):c.6691G>T(E2231*) is expected to be pathogenic in the context of CEP290-related disorders. This variant is predicted to lead to an abnormal or absent protein product due to the creation of a premature termination codon in CEP290, a gene where loss-of-function variants are known to be pathogenic. Please note: this variant was assessed in the context of healthy population screening.

NM_025114.4(CEP290):c.6691G>T (p.Glu2231Ter)

Gene: CEP290 (centrosomal protein 290; minus strand). Cytogenetic location: 12q21.32.
Variant type: single nucleotide variant.
Coding change: c.6691G>T on transcript NM_025114.4 (MANE Select); coding-DNA position 6691, G replaced by T.
Protein change: p.Glu2231Ter; replaces glutamic acid 2231 with a stop codon.
Molecular consequence: nonsense.
Genome position (GRCh38, 1-based): chr12:88,058,975, C>A on the plus strand (G>T on the coding strand, the complement: CEP290 is on the minus strand). VCF-style: chr12-88058975-C-A. GRCh37 (hg19) VCF-style: chr12-88452752-C-A.
Other names: short protein forms E2231*.
Identifiers: ClinVar variation 5015348 (VCV005015348.1).